The following is an entry in ClinVar:

ClinVar aggregate classification (germline): Conflicting classifications of pathogenicity. Review status: criteria provided, conflicting classifications (1 of 4 stars). 2 submissions from 2 submitters: Uncertain significance (1); Likely benign (1). Last evaluated 2024-12-02.

Conditions:
Inborn genetic diseases. Identifiers: MedGen C0950123, MeSH D030342.

Allele frequency attached by ClinVar (database versions not stated): gnomAD exomes below 0.00001 and 0.00001.
gnomAD v4.1: 9 of 1,614,178 alleles (0.00056%); highest among the groups gnomAD compares: Admixed American, 0.0033%; no homozygotes.

Submissions (2):

Ambry Genetics
Classification: Likely benign for Inborn genetic diseases. Last evaluated: 2024-12-02. Review status: criteria provided, single submitter. Criteria: Ambry Variant Classification Scheme 2023. Collection method: clinical testing. Allele origin: germline.

GeneDx
Classification: Uncertain significance. Last evaluated: 2023-06-27. Review status: criteria provided, single submitter. Criteria: GeneDx Variant Classification Process June 2021. Collection method: clinical testing. Allele origin: germline. Affected: yes.
Comment: Not observed at significant frequency in large population cohorts (gnomAD); In silico analysis supports that this variant does not alter splicing; Has not been previously published as pathogenic or benign to our knowledge

NM_020937.4(FANCM):c.204G>A (p.Leu68=)

Gene: FANCM (FA complementation group M; plus strand). Cytogenetic location: 14q21.2.
Variant type: single nucleotide variant.
Coding change: c.204G>A on transcript NM_020937.4 (MANE Select); coding-DNA position 204, G replaced by A.
Protein change: p.Leu68=; no amino-acid change (leucine 68 retained).
Molecular consequence: synonymous variant.
Genome position (GRCh38, 1-based): chr14:45,136,235, G>A. VCF-style: chr14-45136235-G-A. GRCh37 (hg19) VCF-style: chr14-45605438-G-A.
Other names: c.204G>A, p.Leu68= (NM_001308133.2, NM_001308134.2).
Identifiers: ClinVar variation 1314917 (VCV001314917.5), dbSNP rs1299873356, ClinGen allele CA486346396.